The following is an entry in ClinVar:

NM_002485.5(NBN):c.1396A>G (p.Arg466Gly)

Gene: NBN (nibrin; minus strand). Cytogenetic location: 8q21.3.
Variant type: single nucleotide variant.
Coding change: c.1396A>G on transcript NM_002485.5 (MANE Select); coding-DNA position 1396, A replaced by G.
Protein change: p.Arg466Gly; replaces arginine 466 with glycine.
Molecular consequence: missense variant.
Genome position (GRCh38, 1-based): chr8:89,955,284, T>C on the plus strand (A>G on the coding strand, the complement: NBN is on the minus strand). VCF-style: chr8-89955284-T-C. GRCh37 (hg19) VCF-style: chr8-90967512-T-C.
Other names: c.1150A>G, p.Arg384Gly (NM_001024688.3); short protein forms R466G, R384G.
Identifiers: ClinVar variation 938844 (VCV000938844.9), dbSNP rs1810646211, ClinGen allele CA371655950.

ClinVar aggregate classification (germline): Uncertain significance (1 of 4 stars; one submission).

Conditions:
Microcephaly, normal intelligence and immunodeficiency (NBS). Also called: BERLIN BREAKAGE SYNDROME; Immunodeficiency, microcephaly with normal intelligence; Ataxia telangiectasia variant V1; SEEMANOVA SYNDROME II; Nijmegen breakage syndrome; Microcephaly with normal intelligence immunodeficiency and lymphoreticular malignancies. Identifiers: Orphanet 647, MedGen C0398791, MONDO:0009623, OMIM 251260.

Submission:

Labcorp Genetics (formerly Invitae), Labcorp
Classification: Uncertain significance for Microcephaly, normal intelligence and immunodeficiency. Last evaluated: 2024-04-15. Review status: criteria provided, single submitter. Criteria: Invitae Variant Classification Sherloc (09022015). Collection method: clinical testing. Allele origin: germline.
Comment: This sequence change replaces arginine, which is basic and polar, with glycine, which is neutral and non-polar, at codon 466 of the NBN protein (p.Arg466Gly). This variant is not present in population databases (gnomAD no frequency). This variant has not been reported in the literature in individuals affected with NBN-related conditions. ClinVar contains an entry for this variant (Variation ID: 938844). An algorithm developed to predict the effect of missense changes on protein structure and function (PolyPhen-2) suggests that this variant is likely to be disruptive. Algorithms developed to predict the effect of sequence changes on RNA splicing suggest that this variant may disrupt the consensus splice site. In summary, the available evidence is currently insufficient to determine the role of this variant in disease. Therefore, it has been classified as a Variant of Uncertain Significance.